The following is an entry in ClinVar:

ClinVar aggregate classification (germline): Uncertain significance (1 of 4 stars; one submission).

Allele frequency attached by ClinVar (database versions not stated): TOPMed below 0.00001; gnomAD 0.00001.
gnomAD v4.1: 1 of 1,608,832 alleles (0.000062%); highest among the groups gnomAD compares: Non-Finnish European, 0.000085%; no homozygotes.

Submission:

Labcorp Genetics (formerly Invitae), Labcorp
Classification: Uncertain significance. Last evaluated: 2023-03-20. Review status: criteria provided, single submitter. Criteria: Invitae Variant Classification Sherloc (09022015). Collection method: clinical testing. Allele origin: germline.
Comment: This sequence change falls in intron 7 of the SULF1 gene. It does not directly change the encoded amino acid sequence of the SULF1 protein. It affects a nucleotide within the consensus splice site. This variant is not present in population databases (gnomAD no frequency). This variant has not been reported in the literature in individuals affected with SULF1-related conditions. Variants that disrupt the consensus splice site are a relatively common cause of aberrant splicing (PMID: 17576681, 9536098). Algorithms developed to predict the effect of sequence changes on RNA splicing suggest that this variant is not likely to affect RNA splicing. In summary, the available evidence is currently insufficient to determine the role of this variant in disease. Therefore, it has been classified as a Variant of Uncertain Significance.

Literature cited by the submitters: PubMed 17576681; PubMed 9536098.

NM_001128205.2(SULF1):c.564+5T>C

Gene: SULF1 (sulfatase 1; plus strand). Cytogenetic location: 8q13.2.
Variant type: single nucleotide variant.
Coding change: c.564+5T>C on transcript NM_001128205.2 (MANE Select); 5 bases into the intron after coding-DNA position 564, T replaced by C.
Molecular consequence: intron variant.
Genome position (GRCh38, 1-based): chr8:69,586,513, T>C. VCF-style: chr8-69586513-T-C. GRCh37 (hg19) VCF-style: chr8-70498748-T-C.
Other names: c.564+5T>C (NM_001412835.1, NM_015170.3, NM_001412828.1 and 18 more transcripts); c.38+5T>C (NM_001412845.1, NM_001412844.1); c.-1138+5T>C (NM_001412846.1); c.378+5T>C (NM_001412841.1, NM_001412842.1).
Identifiers: ClinVar variation 2847902 (VCV002847902.3), dbSNP rs1170015538, ClinGen allele CA854733451.